The following is an entry in ClinVar:

NM_001127208.3(TET2):c.1469T>C (p.Ile490Thr)

Genes: TET2 (tet methylcytosine dioxygenase 2; plus strand), TET2-AS1 (TET2 antisense RNA 1; minus strand). Cytogenetic location: 4q24.
Variant type: single nucleotide variant.
Coding change: c.1469T>C on transcript NM_001127208.3 (MANE Select); coding-DNA position 1469, T replaced by C.
Protein change: p.Ile490Thr; replaces isoleucine 490 with threonine.
Molecular consequence: missense variant.
Genome position (GRCh38, 1-based): chr4:105,235,411, T>C. VCF-style: chr4-105235411-T-C. GRCh37 (hg19) VCF-style: chr4-106156568-T-C.
Other names: c.1469T>C, p.Ile490Thr (NM_017628.4); short protein forms I490T.
Identifiers: ClinVar variation 4843500 (VCV004843500.1).

ClinVar aggregate classification (germline): Uncertain significance (1 of 4 stars; one submission).

Submission:

Ambry Genetics
Classification: Uncertain significance. Last evaluated: 2026-01-14. Review status: criteria provided, single submitter. Criteria: Ambry Variant Classification Scheme 2023. Collection method: clinical testing. Allele origin: germline.
Comment: The p.I490T variant (also known as c.1469T>C), located in coding exon 1 of the TET2 gene, results from a T to C substitution at nucleotide position 1469. The isoleucine at codon 490 is replaced by threonine, an amino acid with similar properties. This amino acid position is conserved. In addition, this alteration is predicted to be tolerated by in silico analysis. Based on the available evidence, the clinical significance of this variant remains unclear.